The following is an entry in ClinVar:

ClinVar aggregate classification (germline): Uncertain significance. Review status: criteria provided, multiple submitters, no conflicts (2 of 4 stars). 2 submissions from 2 submitters: Uncertain significance (2). Last evaluated 2025-11-11.

gnomAD v4.1: 6 of 1,613,882 alleles (0.00037%); highest among the groups gnomAD compares: Admixed American, 0.01%; no homozygotes.

Submissions (2):

Women's Health and Genetics/Laboratory Corporation of America, LabCorp
Classification: Uncertain significance. Last evaluated: 2025-11-11. Review status: criteria provided, single submitter. Criteria: LabCorp Variant Classification Summary - May 2015. Collection method: clinical testing. Allele origin: germline.
Comment: Variant summary: FAT2 c.9380C>G (p.Thr3127Arg) results in a non-conservative amino acid change in the encoded protein sequence. Algorithms developed to predict the effect of missense changes on protein structure and function are either unavailable or do not agree on the potential impact of this missense change. The variant allele was found at a frequency of 2.4e-05 in 251186 control chromosomes. The available data on variant occurrences in the general population are insufficient to allow any conclusion about variant significance. To our knowledge, no occurrence of c.9380C>G in individuals affected with FAT2-related conditions and no experimental evidence demonstrating its impact on protein function have been reported. No submitters have cited clinical-significance assessments for this variant to ClinVar. Based on the evidence outlined above, the variant was classified as uncertain significance.

Labcorp Genetics (formerly Invitae), Labcorp
Classification: Uncertain significance. Last evaluated: 2025-02-11. Review status: criteria provided, single submitter. Criteria: Invitae Variant Classification Sherloc (09022015). Collection method: clinical testing. Allele origin: germline.
Comment: This sequence change replaces threonine, which is neutral and polar, with arginine, which is basic and polar, at codon 3127 of the FAT2 protein (p.Thr3127Arg). This variant is present in population databases (rs781761056, gnomAD 0.02%). This variant has not been reported in the literature in individuals affected with FAT2-related conditions. Invitae Evidence Modeling of protein sequence and biophysical properties (such as structural, functional, and spatial information, amino acid conservation, physicochemical variation, residue mobility, and thermodynamic stability) indicates that this missense variant is not expected to disrupt FAT2 protein function with a negative predictive value of 80%. In summary, the available evidence is currently insufficient to determine the role of this variant in disease. Therefore, it has been classified as a Variant of Uncertain Significance.

NM_001447.3(FAT2):c.9380C>G (p.Thr3127Arg)

Genes: FAT2 (FAT atypical cadherin 2; minus strand), SLC36A1 (solute carrier family 36 member 1; plus strand). Cytogenetic location: 5q33.1.
Variant type: single nucleotide variant.
Coding change: c.9380C>G on transcript NM_001447.3 (MANE Select); coding-DNA position 9380, C replaced by G.
Protein change: p.Thr3127Arg; replaces threonine 3127 with arginine.
Molecular consequence: missense variant.
Genome position (GRCh38, 1-based): chr5:151,534,456, G>C on the plus strand (C>G on the coding strand, the complement: FAT2 is on the minus strand). VCF-style: chr5-151534456-G-C. GRCh37 (hg19) VCF-style: chr5-150914017-G-C.
Other names: short protein forms T3127R.
Identifiers: ClinVar variation 4536856 (VCV004536856.2).